The following is an entry in ClinVar:

NM_000090.4(COL3A1):c.1622G>C (p.Ser541Thr)

Gene: COL3A1 (collagen type III alpha 1 chain; plus strand). Cytogenetic location: 2q32.2.
Variant type: single nucleotide variant.
Coding change: c.1622G>C on transcript NM_000090.4 (MANE Select); coding-DNA position 1622, G replaced by C.
Protein change: p.Ser541Thr; replaces serine 541 with threonine.
Molecular consequence: missense variant.
Genome position (GRCh38, 1-based): chr2:188,996,138, G>C. VCF-style: chr2-188996138-G-C. GRCh37 (hg19) VCF-style: chr2-189860864-G-C.
Other names: short protein forms S541T.
Identifiers: ClinVar variation 2775109 (VCV002775109.2), dbSNP rs794728046, ClinGen allele CA349852390.

ClinVar aggregate classification (germline): Uncertain significance (1 of 4 stars; one submission).

Conditions:
Familial thoracic aortic aneurysm and aortic dissection (TAAD). Also called: Thoracic aortic aneurysms and dissections. Identifiers: Orphanet 91387, MedGen C4707243, MONDO:0019625.

Submission:

Color Diagnostics, LLC DBA Color Health
Classification: Uncertain significance for Familial thoracic aortic aneurysm and aortic dissection. Last evaluated: 2024-03-06. Review status: criteria provided, single submitter. Criteria: ACMG Guidelines, 2015. Collection method: clinical testing. Allele origin: germline.
Comment: This missense variant replaces serine with threonine at codon 541 of the COL3A1 protein. Computational prediction suggests that this variant may not impact protein structure and function (internally defined REVEL score threshold <= 0.5, PMID: 27666373). To our knowledge, functional studies have not been reported for this variant. This variant has not been reported in individuals affected with cardiovascular disorders in the literature. This variant has not been identified in the general population by the Genome Aggregation Database (gnomAD). The available evidence is insufficient to determine the role of this variant in disease conclusively. Therefore, this variant is classified as a Variant of Uncertain Significance.